The following is an entry in ClinVar:

ClinVar aggregate classification (germline): Uncertain significance (1 of 4 stars; one submission).

Conditions:
Immunodeficiency. Identifiers: MedGen C0021051, MONDO:0021094, HP:0002721.

gnomAD v4.1: 6 of 1,598,368 alleles (0.00038%); highest among the groups gnomAD compares: Non-Finnish European, 0.00051%; no homozygotes.

Submission:

Labcorp Genetics (formerly Invitae), Labcorp
Classification: Uncertain significance for Immunodeficiency. Last evaluated: 2024-01-19. Review status: criteria provided, single submitter. Criteria: Invitae Variant Classification Sherloc (09022015). Collection method: clinical testing. Allele origin: germline.
Comment: This sequence change replaces arginine, which is basic and polar, with isoleucine, which is neutral and non-polar, at codon 541 of the NFAT5 protein (p.Arg541Ile). This variant is not present in population databases (gnomAD no frequency). This variant has not been reported in the literature in individuals affected with NFAT5-related conditions. An algorithm developed to predict the effect of missense changes on protein structure and function (PolyPhen-2) suggests that this variant is likely to be tolerated. In summary, the available evidence is currently insufficient to determine the role of this variant in disease. Therefore, it has been classified as a Variant of Uncertain Significance.

NM_138713.4(NFAT5):c.1904G>T (p.Arg635Ile)

Gene: NFAT5 (nuclear factor of activated T cells 5; plus strand). Cytogenetic location: 16q22.1.
Variant type: single nucleotide variant.
Coding change: c.1904G>T on transcript NM_138713.4 (MANE Select); coding-DNA position 1904, G replaced by T.
Protein change: p.Arg635Ile; replaces arginine 635 with isoleucine.
Molecular consequence: missense variant.
Genome position (GRCh38, 1-based): chr16:69,691,069, G>T. VCF-style: chr16-69691069-G-T. GRCh37 (hg19) VCF-style: chr16-69724972-G-T.
Other names: c.1901G>T, p.Arg634Ile (NM_001113178.3); c.1229G>T, p.Arg410Ile (NM_001367709.1); c.1850G>T, p.Arg617Ile (NM_006599.4); c.1622G>T, p.Arg541Ile (NM_138714.4, NM_173214.3, NM_173215.3); short protein forms R541I, R635I, R410I, R617I, R634I.
Identifiers: ClinVar variation 2713629 (VCV002713629.3), dbSNP rs2151716663, ClinGen allele CA396504476.
Genomic context (GRCh38, chr16:69,691,069, plus strand): 5'-TACCAAGCAGTATGATTAAGAGTGAAGATGTTACTCCAATGGAAGTAACAGCAGAAAAAA[G>T]ATCTTCCACTATTTTTAAGGTAAGCTGTATTGACTAGTGCACAAACCTCCTATATAAAAA-3'
Protein context (NP_619727.2, residues 625-645): VTPMEVTAEK[Arg635Ile]SSTIFKTTKS